The following is an entry in ClinVar:

NM_000256.3(MYBPC3):c.476T>G (p.Met159Arg)

Gene: MYBPC3 (myosin binding protein C3; minus strand). Cytogenetic location: 11p11.2.
Variant type: single nucleotide variant.
Coding change: c.476T>G on transcript NM_000256.3 (MANE Select); coding-DNA position 476, T replaced by G.
Protein change: p.Met159Arg; replaces methionine 159 with arginine.
Molecular consequence: missense variant.
Genome position (GRCh38, 1-based): chr11:47,350,043, A>C on the plus strand (T>G on the coding strand, the complement: MYBPC3 is on the minus strand). VCF-style: chr11-47350043-A-C. GRCh37 (hg19) VCF-style: chr11-47371594-A-C.
Other names: short protein forms M159R.
Identifiers: ClinVar variation 961182 (VCV000961182.13), dbSNP rs1305012073, ClinGen allele CA380338551.

ClinVar aggregate classification (germline): Uncertain significance. Review status: criteria provided, multiple submitters, no conflicts (2 of 4 stars). 3 submissions from 3 submitters: Uncertain significance (3). Last evaluated 2025-12-24.

Conditions:
Hypertrophic cardiomyopathy. Also called: HYPERTROPHIC MYOCARDIOPATHY. Identifiers: Orphanet 217569, MedGen C0007194, MeSH D002312, MONDO:0005045, HP:0001639.
Cardiovascular phenotype. Identifiers: MedGen CN230736.
Cardiomyopathy (CMYO). Also called: Cardiomyopathies. Identifiers: Orphanet 167848, MedGen C0878544, MONDO:0004994, HP:0001638. Inheritance: Various modes of inheritance.

Allele frequency attached by ClinVar (database versions not stated): gnomAD exomes below 0.00001.

Submissions (3):

Ambry Genetics
Classification: Uncertain significance for Cardiovascular phenotype. Last evaluated: 2025-12-24. Review status: criteria provided, single submitter. Criteria: Ambry Variant Classification Scheme 2023. Collection method: clinical testing. Allele origin: germline.
Comment: The p.M159R variant (also known as c.476T>G), located in coding exon 4 of the MYBPC3 gene, results from a T to G substitution at nucleotide position 476. The methionine at codon 159 is replaced by arginine, an amino acid with similar properties. This amino acid position is conserved. In addition, this alteration is predicted to be tolerated by in silico analysis. Based on the available evidence, the clinical significance of this variant remains unclear.

Labcorp Genetics (formerly Invitae), Labcorp
Classification: Uncertain significance for Hypertrophic cardiomyopathy. Last evaluated: 2025-09-03. Review status: criteria provided, single submitter. Criteria: Invitae Variant Classification Sherloc (09022015). Collection method: clinical testing. Allele origin: germline.
Comment: This sequence change replaces methionine, which is neutral and non-polar, with arginine, which is basic and polar, at codon 159 of the MYBPC3 protein (p.Met159Arg). This variant is not present in population databases (gnomAD no frequency). This variant has not been reported in the literature in individuals affected with MYBPC3-related conditions. ClinVar contains an entry for this variant (Variation ID: 961182). An algorithm developed to predict the effect of missense changes on protein structure and function (PolyPhen-2) suggests that this variant is likely to be tolerated. In summary, the available evidence is currently insufficient to determine the role of this variant in disease. Therefore, it has been classified as a Variant of Uncertain Significance.

Color Diagnostics, LLC DBA Color Health
Classification: Uncertain significance for Cardiomyopathy. Last evaluated: 2024-03-06. Review status: criteria provided, single submitter. Criteria: ACMG Guidelines, 2015. Collection method: clinical testing. Allele origin: germline.
Comment: This missense variant replaces methionine with arginine at codon 159 of the MYBPC3 protein. Computational prediction suggests that this variant may not impact protein structure and function (internally defined REVEL score threshold <= 0.5, PMID: 27666373). To our knowledge, functional studies have not been reported for this variant. This variant has not been reported in individuals affected with cardiovascular disorders in the literature. This variant has not been identified in the general population by the Genome Aggregation Database (gnomAD). The available evidence is insufficient to determine the role of this variant in disease conclusively. Therefore, this variant is classified as a Variant of Uncertain Significance.